The following is an entry in ClinVar:

ClinVar aggregate classification (germline): Conflicting classifications of pathogenicity. Review status: criteria provided, conflicting classifications (1 of 4 stars). 4 submissions from 3 submitters: Uncertain significance (3); Benign (1). Last evaluated 2023-02-08.

Conditions:
Inborn genetic diseases. Identifiers: MedGen C0950123, MeSH D030342.
Spinocerebellar ataxia, autosomal recessive, with axonal neuropathy 2 (SCAN2). Also called: ATAXIA-OCULOMOTOR APRAXIA 2; Ataxia-ocular apraxia-2; Ataxia with Oculomotor Apraxia; Ataxia with Oculomotor Apraxia Type 2. Identifiers: Orphanet 64753, MedGen C1853761, MONDO:0018996, OMIM 606002.
Amyotrophic lateral sclerosis type 4 (ALS4). Also called: AMYOTROPHIC LATERAL SCLEROSIS 4, JUVENILE; NEURONOPATHY, DISTAL HEREDITARY MOTOR, WITH PYRAMIDAL FEATURES. Identifiers: Orphanet 357043, MedGen C1865409, MONDO:0011223, OMIM 602433.

Allele frequency attached by ClinVar (database versions not stated): gnomAD exomes below 0.00001; ExAC 0.00001; TOPMed 0.00003; gnomAD 0.00005; ESP Exome Variant Server 0.00008.
gnomAD v4.1: 13 of 1,614,082 alleles (0.00081%); highest among the groups gnomAD compares: African/African-American, 0.016%; no homozygotes.

Submissions (4):

Genome-Nilou Lab
Classification: Uncertain significance for Spinocerebellar ataxia, autosomal recessive, with axonal neuropathy 2. Last evaluated: 2023-02-08. Review status: criteria provided, single submitter. Criteria: ACMG Guidelines, 2015. Collection method: clinical testing. Allele origin: germline.

Genome-Nilou Lab
Classification: Uncertain significance for Amyotrophic lateral sclerosis type 4. Last evaluated: 2023-02-08. Review status: criteria provided, single submitter. Criteria: ACMG Guidelines, 2015. Collection method: clinical testing. Allele origin: germline.

Labcorp Genetics (formerly Invitae), Labcorp
Classification: Benign for Amyotrophic lateral sclerosis type 4; Spinocerebellar ataxia, autosomal recessive, with axonal neuropathy 2. Last evaluated: 2022-12-06. Review status: criteria provided, single submitter. Criteria: Invitae Variant Classification Sherloc (09022015). Collection method: clinical testing. Allele origin: germline.

Ambry Genetics
Classification: Uncertain significance for Inborn genetic diseases. Last evaluated: 2020-10-20. Review status: criteria provided, single submitter. Criteria: Ambry Variant Classification Scheme 2023. Collection method: clinical testing. Allele origin: germline.
Comment: The p.S528F variant (also known as c.1583C>T), located in coding exon 8 of the SETX gene, results from a C to T substitution at nucleotide position 1583. The serine at codon 528 is replaced by phenylalanine, an amino acid with highly dissimilar properties. This amino acid position is well conserved in available vertebrate species. In addition, the in silico prediction for this alteration is inconclusive. Since supporting evidence is limited at this time, the clinical significance of this alteration remains unclear.

NM_015046.7(SETX):c.1583C>T (p.Ser528Phe)

Gene: SETX (senataxin; minus strand). Cytogenetic location: 9q34.13.
Variant type: single nucleotide variant.
Coding change: c.1583C>T on transcript NM_015046.7 (MANE Select); coding-DNA position 1583, C replaced by T.
Protein change: p.Ser528Phe; replaces serine 528 with phenylalanine.
Molecular consequence: missense variant.
Genome position (GRCh38, 1-based): chr9:132,330,015, G>A on the plus strand (C>T on the coding strand, the complement: SETX is on the minus strand). VCF-style: chr9-132330015-G-A. GRCh37 (hg19) VCF-style: chr9-135205402-G-A.
Other names: c.1583C>T, p.Ser528Phe (NM_001351527.2, NM_001351528.2); short protein forms S528F.
Identifiers: ClinVar variation 1775753 (VCV001775753.8), dbSNP rs373616766, ClinGen allele CA5297747.